The following is an entry in ClinVar:

ClinVar aggregate classification (germline): Uncertain significance (1 of 4 stars; one submission).

Conditions:
Glycogen storage disease type III (GSD3). Also called: Cori disease; FORBES DISEASE. Identifiers: Orphanet 366, MedGen C0017922, MONDO:0009291, OMIM 232400.

Allele frequency attached by ClinVar (database versions not stated): gnomAD 0.00001.
gnomAD v4.1: 1 of 1,612,582 alleles (0.000062%); highest among the groups gnomAD compares: African/African-American, 0.0013%; no homozygotes.

Submission:

Labcorp Genetics (formerly Invitae), Labcorp
Classification: Uncertain significance for Glycogen storage disease type III. Last evaluated: 2022-06-10. Review status: criteria provided, single submitter. Criteria: Invitae Variant Classification Sherloc (09022015). Collection method: clinical testing. Allele origin: germline.
Comment: This sequence change replaces isoleucine, which is neutral and non-polar, with valine, which is neutral and non-polar, at codon 1320 of the AGL protein (p.Ile1320Val). This variant is present in population databases (no rsID available, gnomAD 0.01%). This variant has not been reported in the literature in individuals affected with AGL-related conditions. Algorithms developed to predict the effect of missense changes on protein structure and function output the following: SIFT: "Tolerated"; PolyPhen-2: "Benign"; Align-GVGD: "Class C0". The valine amino acid residue is found in multiple mammalian species, which suggests that this missense change does not adversely affect protein function. In summary, the available evidence is currently insufficient to determine the role of this variant in disease. Therefore, it has been classified as a Variant of Uncertain Significance.

NM_000642.3(AGL):c.3958A>G (p.Ile1320Val)

Gene: AGL (amylo-alpha-1,6-glucosidase and 4-alpha-glucanotransferase; plus strand). Cytogenetic location: 1p21.2.
Variant type: single nucleotide variant.
Coding change: c.3958A>G on transcript NM_000642.3 (MANE Select); coding-DNA position 3958, A replaced by G.
Protein change: p.Ile1320Val; replaces isoleucine 1320 with valine.
Molecular consequence: missense variant.
Genome position (GRCh38, 1-based): chr1:99,913,535, A>G. VCF-style: chr1-99913535-A-G. GRCh37 (hg19) VCF-style: chr1-100379091-A-G.
Other names: c.3958A>G, p.Ile1320Val (NM_000028.3, NM_000643.3, NM_000644.3 and 1 more transcripts); c.3910A>G, p.Ile1304Val (NM_000646.3); c.3937A>G, p.Ile1313Val (NM_001425326.1); c.3757A>G, p.Ile1253Val (NM_001425327.1); c.3754A>G, p.Ile1252Val (NM_001425328.1); c.3619A>G, p.Ile1207Val (NM_001425329.1); c.3580A>G, p.Ile1194Val (NM_001425332.1); short protein forms I1304V, I1320V, I1194V, I1207V, I1252V, I1253V, I1313V.
Identifiers: ClinVar variation 1922930 (VCV001922930.2), dbSNP rs1401725714, ClinGen allele CA341339353.